The following is an entry in ClinVar:

NM_001365951.3(KIF1B):c.4682G>A (p.Ser1561Asn)

Gene: KIF1B (kinesin family member 1B; plus strand). Cytogenetic location: 1p36.22.
Variant type: single nucleotide variant.
Coding change: c.4682G>A on transcript NM_001365951.3 (MANE Select); coding-DNA position 4682, G replaced by A.
Protein change: p.Ser1561Asn; replaces serine 1561 with asparagine.
Molecular consequence: missense variant.
Genome position (GRCh38, 1-based): chr1:10,365,578, G>A. VCF-style: chr1-10365578-G-A. GRCh37 (hg19) VCF-style: chr1-10425636-G-A.
Other names: c.4682G>A, p.Ser1561Asn (NM_001365952.1); c.4544G>A, p.Ser1515Asn (NM_015074.3); short protein forms S1561N, S1515N.
Identifiers: ClinVar variation 1741380 (VCV001741380.2), dbSNP rs1228982466, ClinGen allele CA338322280.
Genomic context (GRCh38, chr1:10,365,578, plus strand): 5'-CCTCCACCAGTATCTCCTCTCAGATCTCAACCACTACCTTTGAAAGCGCCATCACACCTA[G>A]CGAGAGCAGTGGCTATGATTCAGGAGACATCGAAAGCCTGGTGGACCGAGAGAAAGAGCT-3'
Protein context (NP_001352880.1, residues 1551-1571): TTTFESAITP[Ser1561Asn]ESSGYDSGDI

ClinVar aggregate classification (germline): Uncertain significance (1 of 4 stars; one submission).

Allele frequency attached by ClinVar (database versions not stated): TOPMed 0.00002.
gnomAD v4.1: 2 of 1,614,008 alleles (0.00012%); highest among the groups gnomAD compares: African/African-American, 0.0027%; no homozygotes.

Submission:

Ambry Genetics
Classification: Uncertain significance. Last evaluated: 2022-10-29. Review status: criteria provided, single submitter. Criteria: Ambry Variant Classification Scheme 2023. Collection method: clinical testing. Allele origin: germline.
Comment: The p.S1515N variant (also known as c.4544G>A), located in coding exon 40 of the KIF1B gene, results from a G to A substitution at nucleotide position 4544. The serine at codon 1515 is replaced by asparagine, an amino acid with highly similar properties. This amino acid position is conserved. In addition, this alteration is predicted to be tolerated by in silico analysis. Since supporting evidence is limited at this time, the clinical significance of this alteration remains unclear.